The following is an entry in ClinVar:

ClinVar aggregate classification (germline): Benign. Review status: criteria provided, multiple submitters, no conflicts (2 of 4 stars). 14 submissions from 14 submitters: Benign (11). 3 of the submissions do not count toward it. Last evaluated 2026-02-04.

Conditions:
Microcephaly 5, primary, autosomal recessive (MCPH5). Also called: ASPM Primary Microcephaly. Identifiers: Orphanet 2512, MedGen C1837501, MONDO:0012106, OMIM 608716.

Allele frequency attached by ClinVar (database versions not stated): gnomAD exomes 0.34260 and 0.40044; ExAC 0.34389; 1000 Genomes Project 30x 0.21174; 1000 Genomes Project 0.21446; TOPMed 0.28581; gnomAD 0.30390 and 0.30404; ESP Exome Variant Server 0.32237.
gnomAD v4.1: 615,769 of 1,577,952 alleles (39%); highest among the groups gnomAD compares: Non-Finnish European, 43%; 127,751 homozygotes.

Submissions (14):

Labcorp Genetics (formerly Invitae), Labcorp
Classification: Benign. Last evaluated: 2026-02-04. Review status: criteria provided, single submitter. Criteria: Invitae Variant Classification Sherloc (09022015). Collection method: clinical testing. Allele origin: germline.

Blueprint Genetics
Classification: Benign. Last evaluated: 2024-11-26. Review status: criteria provided, single submitter. Criteria: ACMG Guidelines, 2015. Collection method: clinical testing. Allele origin: germline.

Genome-Nilou Lab
Classification: Benign for Microcephaly 5, primary, autosomal recessive. Last evaluated: 2021-07-14. Review status: criteria provided, single submitter. Criteria: ACMG Guidelines, 2015. Collection method: clinical testing. Allele origin: germline. Affected: no.

Illumina Laboratory Services, Illumina
Classification: Benign for Microcephaly 5, primary, autosomal recessive. Last evaluated: 2018-01-13. Review status: criteria provided, single submitter. Criteria: ICSL Variant Classification Criteria 13 December 2019. Collection method: clinical testing. Allele origin: germline.
Comment: This variant was observed in the ICSL laboratory as part of a predisposition screen in an ostensibly healthy population. It had not been previously curated by ICSL or reported in the Human Gene Mutation Database (HGMD: prior to June 1st, 2018), and was therefore a candidate for classification through an automated scoring system. Utilizing variant allele frequency, disease prevalence and penetrance estimates, and inheritance mode, an automated score was calculated to assess if this variant is too frequent to cause the disease. Based on the score and internal cut-off values, a variant classified as benign is not then subjected to further curation. The score for this variant resulted in a classification of benign for this disease.

Eurofins Ntd Llc (ga)
Classification: Benign. Last evaluated: 2017-12-14. Review status: criteria provided, single submitter. Criteria: EGL Classification Definitions 2015. Collection method: clinical testing. Allele origin: germline. Observed: 6 variant alleles, 4 heterozygotes, 2 homozygotes.

Athena Diagnostics
Classification: Benign. Last evaluated: 2017-08-02. Review status: criteria provided, single submitter. Criteria: Athena Diagnostics Criteria. Collection method: clinical testing. Allele origin: germline.

Clinical Genetics DNA and cytogenetics Diagnostics Lab, Erasmus MC, Erasmus Medical Center
Classification: Benign for Microcephaly 5, primary, autosomal recessive. Last evaluated: 2017-06-28. Review status: criteria provided, single submitter. Criteria: ACGS Guidelines, 2013. Collection method: clinical testing. Allele origin: germline. Affected: yes. Study: VKGL Data-share Consensus.

GeneDx
Classification: Benign. Last evaluated: 2015-03-03. Review status: criteria provided, single submitter. Criteria: GeneDx Variant Classification Process June 2021. Collection method: clinical testing. Allele origin: germline. Affected: yes.

Genetic Services Laboratory, University of Chicago
Classification: Benign. Last evaluated: 2013-02-08. Review status: criteria provided, single submitter. Criteria: ACMG Guidelines, 2007. Collection method: clinical testing. Allele origin: germline. Inheritance: Autosomal recessive inheritance.

Breakthrough Genomics
Classification: Benign. Review status: criteria provided, single submitter. Criteria: ACMG Guidelines, 2015. Collection method: not provided. Allele origin: germline. Inheritance: Autosomal recessive inheritance. Affected: yes.

PreventionGenetics, part of Exact Sciences
Classification: Benign. Review status: criteria provided, single submitter. Criteria: ACMG Guidelines, 2015. Collection method: clinical testing. Allele origin: germline.

Diagnostic Laboratory, Department of Genetics, University Medical Center Groningen
Classification: Benign for Microcephaly 5, primary, autosomal recessive. Review status: no assertion criteria provided. Collection method: clinical testing. Allele origin: germline. Affected: yes. Study: VKGL Data-share Consensus. Not counted in ClinVar's aggregate classification.

GeneReviews
No classification provided. Condition: Microcephaly 5, primary, autosomal recessive. Review status: no classification provided. Collection method: literature only. Allele origin: unknown. Not counted in ClinVar's aggregate classification.

Joint Genome Diagnostic Labs from Nijmegen and Maastricht, Radboudumc and MUMC+
Classification: Benign. Review status: no assertion criteria provided. Collection method: clinical testing. Allele origin: germline. Affected: yes. Study: VKGL Data-share Consensus. Not counted in ClinVar's aggregate classification.

Literature cited by the submitters: PubMed 20301772 (cited by GeneReviews); NCBI Bookshelf NBK9587 (cited by GeneReviews).

NM_018136.5(ASPM):c.4449A>G (p.Lys1483=)

Gene: ASPM (assembly factor for spindle microtubules; minus strand). Cytogenetic location: 1q31.3.
Variant type: single nucleotide variant.
Coding change: c.4449A>G on transcript NM_018136.5 (MANE Select); coding-DNA position 4449, A replaced by G.
Protein change: p.Lys1483=; no amino-acid change (lysine 1483 retained).
Molecular consequence: synonymous variant. On other transcripts: intron variant (1).
Genome position (GRCh38, 1-based): chr1:197,104,802, T>C on the plus strand (A>G on the coding strand, the complement: ASPM is on the minus strand). VCF-style: chr1-197104802-T-C. GRCh37 (hg19) VCF-style: chr1-197073932-T-C.
Other names: c.4066-8638A>G (NM_001206846.2).
Identifiers: ClinVar variation 21586 (VCV000021586.32), dbSNP rs2878749, ClinGen allele CA171210.